The following is an entry in ClinVar:

ClinVar aggregate classification (germline): Uncertain significance. Review status: criteria provided, multiple submitters, no conflicts (2 of 4 stars). 2 submissions from 2 submitters: Uncertain significance (2). Last evaluated 2024-10-08.

Allele frequency attached by ClinVar (database versions not stated): gnomAD exomes below 0.00001 and 0.00001; TOPMed 0.00001; gnomAD 0.00003.
gnomAD v4.1: 23 of 1,613,892 alleles (0.0014%); highest among the groups gnomAD compares: Middle Eastern, 0.016%; no homozygotes.

Submissions (2):

Labcorp Genetics (formerly Invitae), Labcorp
Classification: Uncertain significance. Last evaluated: 2024-10-08. Review status: criteria provided, single submitter. Criteria: Invitae Variant Classification Sherloc (09022015). Collection method: clinical testing. Allele origin: germline.
Comment: This sequence change replaces arginine, which is basic and polar, with glutamine, which is neutral and polar, at codon 1163 of the RBP3 protein (p.Arg1163Gln). This variant is present in population databases (no rsID available, gnomAD 0.003%). This variant has not been reported in the literature in individuals affected with RBP3-related conditions. ClinVar contains an entry for this variant (Variation ID: 1040638). Invitae Evidence Modeling of protein sequence and biophysical properties (such as structural, functional, and spatial information, amino acid conservation, physicochemical variation, residue mobility, and thermodynamic stability) has been performed for this missense variant. However, the output from this modeling did not meet the statistical confidence thresholds required to predict the impact of this variant on RBP3 protein function. In summary, the available evidence is currently insufficient to determine the role of this variant in disease. Therefore, it has been classified as a Variant of Uncertain Significance.

Blueprint Genetics
Classification: Uncertain significance. Last evaluated: 2024-02-27. Review status: criteria provided, single submitter. Criteria: ACMG Guidelines, 2015. Collection method: clinical testing. Allele origin: germline.

NM_002900.3(RBP3):c.3488G>A (p.Arg1163Gln)

Gene: RBP3 (retinol binding protein 3; plus strand). Cytogenetic location: 10q11.22.
Variant type: single nucleotide variant.
Coding change: c.3488G>A on transcript NM_002900.3 (MANE Select); coding-DNA position 3488, G replaced by A.
Protein change: p.Arg1163Gln; replaces arginine 1163 with glutamine.
Molecular consequence: missense variant.
Genome position (GRCh38, 1-based): chr10:47,357,201, G>A. VCF-style: chr10-47357201-G-A. GRCh37 (hg19) VCF-style: chr10-48382161-C-T.
Other names: short protein forms R1163Q.
Identifiers: ClinVar variation 1040638 (VCV001040638.9), dbSNP rs1264614759, ClinGen allele CA376677317.
Genomic context (GRCh38, chr10:47,357,201, plus strand): 5'-CCAGCAGTGTGACGGCCGGCACCGCGGAGGAGTTCACCTATATCATGAAGAGGCTGGGCC[G>A]GGCCCTGGTCATTGGGGAGGTGACCAGTGGGGGCTGCCAGCCACCACAGACCTACCACGT-3'
Protein context (NP_002891.1, residues 1153-1173): EFTYIMKRLG[Arg1163Gln]ALVIGEVTSG